The following is an entry in ClinVar:

ClinVar aggregate classification (germline): Uncertain significance (1 of 4 stars; one submission).

Allele frequency attached by ClinVar (database versions not stated): gnomAD exomes below 0.00001; TOPMed below 0.00001.
gnomAD v4.1: 2 of 1,614,224 alleles (0.00012%); highest among the groups gnomAD compares: Non-Finnish European, 0.00017%; no homozygotes.

Submission:

Labcorp Genetics (formerly Invitae), Labcorp
Classification: Uncertain significance. Last evaluated: 2022-06-25. Review status: criteria provided, single submitter. Criteria: Invitae Variant Classification Sherloc (09022015). Collection method: clinical testing. Allele origin: germline.
Comment: This sequence change replaces glutamic acid, which is acidic and polar, with valine, which is neutral and non-polar, at codon 135 of the CDC6 protein (p.Glu135Val). This variant is not present in population databases (gnomAD no frequency). In summary, the available evidence is currently insufficient to determine the role of this variant in disease. Therefore, it has been classified as a Variant of Uncertain Significance. Algorithms developed to predict the effect of missense changes on protein structure and function (SIFT, PolyPhen-2, Align-GVGD) all suggest that this variant is likely to be tolerated. This variant has not been reported in the literature in individuals affected with CDC6-related conditions.

NM_001254.4(CDC6):c.404A>T (p.Glu135Val)

Gene: CDC6 (cell division cycle 6; plus strand). Cytogenetic location: 17q21.2.
Variant type: single nucleotide variant.
Coding change: c.404A>T on transcript NM_001254.4 (MANE Select); coding-DNA position 404, A replaced by T.
Protein change: p.Glu135Val; replaces glutamic acid 135 with valine.
Molecular consequence: missense variant.
Genome position (GRCh38, 1-based): chr17:40,291,283, A>T. VCF-style: chr17-40291283-A-T. GRCh37 (hg19) VCF-style: chr17-38447535-A-T.
Other names: short protein forms E135V.
Identifiers: ClinVar variation 2007305 (VCV002007305.4), dbSNP rs1219998831, ClinGen allele CA399327654.
Genomic context (GRCh38, chr17:40,291,283, plus strand): 5'-TTCACCAAAACAAAATACTTTCTTCAGTTAGAAAAAGTCAAGAGATCACAACAAATTCTG[A>T]GCAGAGATGTCCACTGAAGAAAGAATCTGCATGTGTGAGACTATTCAAGCAAGAAGGTTT-3'
Protein context (NP_001245.1, residues 125-145): RKSQEITTNS[Glu135Val]QRCPLKKESA